The following is an entry in ClinVar:

ClinVar aggregate classification (germline): Uncertain significance. Review status: criteria provided, multiple submitters, no conflicts (2 of 4 stars). 6 submissions from 6 submitters: Uncertain significance (5). 1 of the submissions does not count toward it. Last evaluated 2025-12-30.

Conditions:
Leber congenital amaurosis (LCA). Also called: Leber's amaurosis. Identifiers: Orphanet 65, MedGen C0339527, MeSH D057130, MONDO:0018998.
Nephronophthisis. Also called: Juvenile Nephronophthisis. Identifiers: Orphanet 655, MedGen C0687120, MONDO:0019005, HP:0000090.
Meckel-Gruber syndrome. Also called: DYSENCEPHALIA SPLANCHNOCYSTICA; Dysencephalia splachnocystica; GRUBER SYNDROME. Identifiers: Orphanet 564, MedGen C0265215, MONDO:0018921.
Joubert syndrome. Also called: Familial aplasia of the vermis; JOUBERT-BOLTSHAUSER SYNDROME. Identifiers: Orphanet 475, MedGen C5979921, MONDO:0018772.
CEP290-related disorder. Also called: CEP290-related condition; CEP290-related disorders. Identifiers: MedGen CN239314.
Inborn genetic diseases. Identifiers: MedGen C0950123, MeSH D030342.

Allele frequency attached by ClinVar (database versions not stated): gnomAD exomes 0.00001; gnomAD 0.00002; TOPMed 0.00003.
gnomAD v4.1: 16 of 1,269,122 alleles (0.0013%); highest among the groups gnomAD compares: Non-Finnish European, 0.0017%; no homozygotes.

Submissions (6):

PreventionGenetics, part of Exact Sciences
Classification: Uncertain significance for CEP290-related condition. Last evaluated: 2025-12-30. Review status: criteria provided, single submitter. Criteria: ACMG Guidelines, 2015. Collection method: clinical testing. Allele origin: germline.
Comment: The CEP290 c.5371G>C variant is predicted to result in the amino acid substitution p.Val1791Leu. To our knowledge, this variant has not been reported in the literature. This variant is reported in 0.0020% of alleles in individuals of European (Non-Finnish) descent in gnomAD. At this time, the clinical significance of this variant is uncertain due to the absence of conclusive functional and genetic evidence.

Ambry Genetics
Classification: Uncertain significance for Inborn genetic diseases. Last evaluated: 2025-12-04. Review status: criteria provided, single submitter. Criteria: Ambry Variant Classification Scheme 2023. Collection method: clinical testing. Allele origin: germline.

GeneDx
Classification: Uncertain significance. Last evaluated: 2025-07-21. Review status: criteria provided, single submitter. Criteria: GeneDx Variant Classification Process June 2021. Collection method: clinical testing. Allele origin: germline. Affected: yes.
Comment: Not observed at significant frequency in large population cohorts (gnomAD); In silico analysis suggests that this missense variant does not alter protein structure/function; Has not been previously published as pathogenic or benign to our knowledge

Labcorp Genetics (formerly Invitae), Labcorp
Classification: Uncertain significance for Joubert syndrome; Meckel-Gruber syndrome; Nephronophthisis. Last evaluated: 2022-08-02. Review status: criteria provided, single submitter. Criteria: Invitae Variant Classification Sherloc (09022015). Collection method: clinical testing. Allele origin: germline.
Comment: This sequence change replaces valine, which is neutral and non-polar, with leucine, which is neutral and non-polar, at codon 1791 of the CEP290 protein (p.Val1791Leu). This variant is present in population databases (no rsID available, gnomAD 0.003%). This variant has not been reported in the literature in individuals affected with CEP290-related conditions. ClinVar contains an entry for this variant (Variation ID: 956622). Algorithms developed to predict the effect of missense changes on protein structure and function are either unavailable or do not agree on the potential impact of this missense change (SIFT: "Deleterious"; PolyPhen-2: "Benign"; Align-GVGD: "Class C0"). In summary, the available evidence is currently insufficient to determine the role of this variant in disease. Therefore, it has been classified as a Variant of Uncertain Significance.

Blueprint Genetics
Classification: Uncertain significance. Last evaluated: 2021-03-09. Review status: criteria provided, single submitter. Criteria: ACMG Guidelines, 2015. Collection method: clinical testing. Allele origin: germline.

Natera, Inc.
Classification: Uncertain significance for Leber congenital amaurosis. Last evaluated: 2020-07-30. Review status: no assertion criteria provided. Collection method: clinical testing. Allele origin: germline. Not counted in ClinVar's aggregate classification.

NM_025114.4(CEP290):c.5371G>C (p.Val1791Leu)

Gene: CEP290 (centrosomal protein 290; minus strand). Cytogenetic location: 12q21.32.
Variant type: single nucleotide variant.
Coding change: c.5371G>C on transcript NM_025114.4 (MANE Select); coding-DNA position 5371, G replaced by C.
Protein change: p.Val1791Leu; replaces valine 1791 with leucine.
Molecular consequence: missense variant.
Genome position (GRCh38, 1-based): chr12:88,077,912, C>G on the plus strand (G>C on the coding strand, the complement: CEP290 is on the minus strand). VCF-style: chr12-88077912-C-G. GRCh37 (hg19) VCF-style: chr12-88471689-C-G.
Other names: short protein forms V1791L.
Identifiers: ClinVar variation 956622 (VCV000956622.10), dbSNP rs955877363, ClinGen allele CA241153481.